The following is an entry in ClinVar:

NM_001330260.2(SCN8A):c.5841T>C (p.Tyr1947=)

Gene: SCN8A (sodium voltage-gated channel alpha subunit 8; plus strand). Cytogenetic location: 12q13.13.
Variant type: single nucleotide variant.
Coding change: c.5841T>C on transcript NM_001330260.2 (MANE Select); coding-DNA position 5841, T replaced by C.
Protein change: p.Tyr1947=; no amino-acid change (tyrosine 1947 retained).
Molecular consequence: synonymous variant.
Genome position (GRCh38, 1-based): chr12:51,807,327, T>C. VCF-style: chr12-51807327-T-C. GRCh37 (hg19) VCF-style: chr12-52201111-T-C.
Other names: c.5718T>C, p.Tyr1906= (NM_001177984.3, NM_001369788.1); c.5841T>C, p.Tyr1947= (NM_014191.4).
Identifiers: ClinVar variation 681121 (VCV000681121.1), dbSNP rs1592175176, ClinGen allele CA480062410.

ClinVar aggregate classification (germline): Likely benign (1 of 4 stars; one submission).

Allele frequency attached by ClinVar (database versions not stated): gnomAD exomes below 0.00001.
gnomAD v4.1: 1 of 1,613,610 alleles (0.000062%); highest among the groups gnomAD compares: Non-Finnish European, 0.000085%; no homozygotes.

Submission:

GeneDx
Classification: Likely benign. Last evaluated: 2018-03-26. Review status: criteria provided, single submitter. Criteria: GeneDx Variant Classification (06012015). Collection method: clinical testing. Allele origin: germline. Affected: yes.
Comment: This variant is considered likely benign or benign based on one or more of the following criteria: it is a conservative change, it occurs at a poorly conserved position in the protein, it is predicted to be benign by multiple in silico algorithms, and/or has population frequency not consistent with disease.